The following is an entry in ClinVar:

NM_014915.3(ANKRD26):c.2711A>G (p.His904Arg)

Gene: ANKRD26 (ankyrin repeat domain containing 26; minus strand). Cytogenetic location: 10p12.1.
Variant type: single nucleotide variant.
Coding change: c.2711A>G on transcript NM_014915.3 (MANE Select); coding-DNA position 2711, A replaced by G.
Protein change: p.His904Arg; replaces histidine 904 with arginine.
Molecular consequence: missense variant.
Genome position (GRCh38, 1-based): chr10:27,035,739, T>C on the plus strand (A>G on the coding strand, the complement: ANKRD26 is on the minus strand). VCF-style: chr10-27035739-T-C. GRCh37 (hg19) VCF-style: chr10-27324668-T-C.
Other names: c.2708A>G, p.His903Arg (NM_001256053.2); short protein forms H903R, H904R.
Identifiers: ClinVar variation 3871752 (VCV003871752.1).

ClinVar aggregate classification (germline): Uncertain significance (1 of 4 stars; one submission).

Conditions:
Inborn genetic diseases. Identifiers: MedGen C0950123, MeSH D030342.

gnomAD v4.1: 3 of 1,605,988 alleles (0.00019%); highest among the groups gnomAD compares: Non-Finnish European, 0.00026%; no homozygotes.

Submission:

Ambry Genetics
Classification: Uncertain significance for Inborn genetic diseases. Last evaluated: 2025-02-25. Review status: criteria provided, single submitter. Criteria: Ambry Variant Classification Scheme 2023. Collection method: clinical testing. Allele origin: germline.
Comment: The p.H904R variant (also known as c.2711A>G), located in coding exon 24 of the ANKRD26 gene, results from an A to G substitution at nucleotide position 2711. The histidine at codon 904 is replaced by arginine, an amino acid with highly similar properties. This amino acid position is conserved. In addition, this alteration is predicted to be tolerated by in silico analysis. Based on the available evidence, the clinical significance of this variant remains unclear.